The following is an entry in ClinVar:

ClinVar aggregate classification (germline): Likely benign (1 of 4 stars; one submission).

Conditions:
Hypophosphatasia. Also called: Phosphoethanol-aminuria. Identifiers: Orphanet 436, MedGen C0020630, MeSH D007014, MONDO:0018570.

Submission:

Genomenon, Inc
Classification: Likely benign for Hypophosphatasia. Last evaluated: 2025-08-29. Review status: criteria provided, single submitter. Criteria: Genomenon Sequence Variant Interpretation Standards. Collection method: curation. Allele origin: germline. Affected: no.
Comment: ALPL c.1338T>C is a synonymous variant that retains Alanine at residue 446. This variant has been reported in the published literature (PMID:9781036). This synonymous variant is not predicted to impact splicing. It is absent or not present at a significant frequency in gnomAD. In conclusion, we classify ALPL p.Ala446= (c.1338T>C) as a likely benign variant.

Literature cited by the submitters: PubMed 9781036.

NM_000478.6(ALPL):c.1338T>C (p.Ala446=)

Gene: ALPL (alkaline phosphatase, biomineralization associated; plus strand). Cytogenetic location: 1p36.12.
Variant type: single nucleotide variant.
Coding change: c.1338T>C on transcript NM_000478.6 (MANE Select); coding-DNA position 1338, T replaced by C.
Protein change: p.Ala446=; no amino-acid change (alanine 446 retained).
Molecular consequence: synonymous variant.
Genome position (GRCh38, 1-based): chr1:21,577,411, T>C. VCF-style: chr1-21577411-T-C. GRCh37 (hg19) VCF-style: chr1-21903904-T-C.
Other names: c.1173T>C, p.Ala391= (NM_001127501.4); c.1107T>C, p.Ala369= (NM_001177520.3); c.1338T>C, p.Ala446= (NM_001369803.2, NM_001369804.2, NM_001369805.2).
Identifiers: ClinVar variation 4086896 (VCV004086896.1).